The following is an entry in ClinVar:

ClinVar aggregate classification (germline): Uncertain significance (1 of 4 stars; one submission).

Conditions:
Familial hemophagocytic lymphohistiocytosis 3 (FHL3). Also called: UNC13D-Related Familial Hemophagocytic Lymphohistiocytosis (UNC13D-fHLH). Identifiers: Orphanet 540, MedGen C1837174, MONDO:0012146, OMIM 608898.

Submission:

Labcorp Genetics (formerly Invitae), Labcorp
Classification: Uncertain significance for Familial hemophagocytic lymphohistiocytosis 3. Last evaluated: 2025-09-05. Review status: criteria provided, single submitter. Criteria: Invitae Variant Classification Sherloc (09022015). Collection method: clinical testing. Allele origin: germline.
Comment: This sequence change replaces serine, which is neutral and polar, with isoleucine, which is neutral and non-polar, at codon 562 of the UNC13D protein (p.Ser562Ile). This variant is not present in population databases (gnomAD no frequency). This variant has not been reported in the literature in individuals affected with UNC13D-related conditions. Invitae Evidence Modeling of protein sequence and biophysical properties (such as structural, functional, and spatial information, amino acid conservation, physicochemical variation, residue mobility, and thermodynamic stability) indicates that this missense variant is not expected to disrupt UNC13D protein function with a negative predictive value of 80%. In summary, the available evidence is currently insufficient to determine the role of this variant in disease. Therefore, it has been classified as a Variant of Uncertain Significance.

NM_199242.3(UNC13D):c.1685G>T (p.Ser562Ile)

Gene: UNC13D (unc-13 homolog D; minus strand). Cytogenetic location: 17q25.1.
Variant type: single nucleotide variant.
Coding change: c.1685G>T on transcript NM_199242.3 (MANE Select); coding-DNA position 1685, G replaced by T.
Protein change: p.Ser562Ile; replaces serine 562 with isoleucine.
Molecular consequence: missense variant.
Genome position (GRCh38, 1-based): chr17:75,835,689, C>A on the plus strand (G>T on the coding strand, the complement: UNC13D is on the minus strand). VCF-style: chr17-75835689-C-A. GRCh37 (hg19) VCF-style: chr17-73831770-C-A.
Other names: short protein forms S562I.
Identifiers: ClinVar variation 4743091 (VCV004743091.1).